The following is an entry in ClinVar:

ClinVar aggregate classification (germline): Likely pathogenic (1 of 4 stars; one submission).

Conditions:
Charcot-Marie-Tooth disease type 4C (CMT4C). Also called: CHARCOT-MARIE-TOOTH DISEASE, DEMYELINATING, TYPE 4C; SH3TC2-Related Hereditary Motor and Sensory Neuropathy; CMT 4C; CHARCOT-MARIE-TOOTH DISEASE, DEMYELINATING, AUTOSOMAL RECESSIVE, TYPE 4C; Charcot-Marie-Tooth Neuropathy Type 4C (CMT4C). Identifiers: Orphanet 99949, MedGen C1866636, MONDO:0011113, OMIM 601596.

Submission:

Diagnostics Services (NGS), CSIR - Centre For Cellular And Molecular Biology
Classification: Likely pathogenic for Charcot-Marie-Tooth disease type 4C. Last evaluated: 2026-04-01. Review status: criteria provided, single submitter. Criteria: ACMG Guidelines, 2015. Collection method: clinical testing. Allele origin: germline. Observed: 1 variant allele, 1 heterozygote.
Comment: The c.2208del variant is not present in 1000 Genomes, EVS, gnomAD, Indian Exome Database and our internal database. This variant has neither been published in the literature for SH3TC2-related conditions nor reported to clinical databases like HGMD, ClinVar or OMIM in any affected individuals. In-silico pathogenicity prediction programs like MutationTaster2021, CADD, Franklin, Varsome, etc. predicted this variant to be likely deleterious. This variant causes frameshift at the 737th amino acid position of the wild-type transcript that creates a premature translational stop signal at the altered transcript that may either result in translation of a truncated protein or cause nonsense mediated decay of the mRNA.

NM_024577.4(SH3TC2):c.2208del (p.Cys737fs)

Gene: SH3TC2 (SH3 domain and tetratricopeptide repeats 2; minus strand). Cytogenetic location: 5q32.
Variant type: Deletion.
Coding change: c.2208del on transcript NM_024577.4 (MANE Select); coding-DNA position 2208, one base deleted (C; older notation c.2208delC).
Protein change: p.Cys737fs; shifts the reading frame from cysteine 737.
Molecular consequence: frameshift variant.
Genome position (GRCh38, 1-based): chr5:149,027,524, G deleted on the plus strand (C on the coding strand, the reverse complement: SH3TC2 is on the minus strand); the first of 2 consecutive G bases (chr5:149,027,524-149,027,525); deleting either gives the same sequence. VCF-style (leftmost placement, unchanged base first): chr5-149027523-AG-A. GRCh37 (hg19) VCF-style: chr5-148407086-AG-A.
Other names: short protein forms C737fs.
Identifiers: ClinVar variation 4849720 (VCV004849720.1).